The following is an entry in ClinVar:

ClinVar aggregate classification (germline): Pathogenic (1 of 4 stars; one submission).

Conditions:
Sulfite oxidase deficiency due to molybdenum cofactor deficiency type A. Also called: Molybdenum cofactor deficiency, complementation group A; Molybdenum Cofactor Deficiency A. Identifiers: Orphanet 308386, Orphanet 833, MedGen C1854988, MONDO:0009643, OMIM 252150.

Allele frequency attached by ClinVar (database versions not stated): gnomAD exomes below 0.00001; TOPMed below 0.00001.

Submission:

Labcorp Genetics (formerly Invitae), Labcorp
Classification: Pathogenic for Sulfite oxidase deficiency due to molybdenum cofactor deficiency type A. Last evaluated: 2024-01-10. Review status: criteria provided, single submitter. Criteria: Invitae Variant Classification Sherloc (09022015). Collection method: clinical testing. Allele origin: germline.
Comment: This sequence change creates a premature translational stop signal (p.His484Argfs*122) in the MOCS1 gene. While this is not anticipated to result in nonsense mediated decay, it is expected to disrupt the last 153 amino acid(s) of the MOCS1 protein. This variant is present in population databases (no rsID available, gnomAD 0.0009%). This variant has not been reported in the literature in individuals affected with MOCS1-related conditions. This variant disrupts a region of the MOCS1 protein in which other variant(s) (p.Glu503Alafs*103) have been determined to be pathogenic (PMID: 9731530, 9921896). This suggests that this is a clinically significant region of the protein, and that variants that disrupt it are likely to be disease-causing. For these reasons, this variant has been classified as Pathogenic.

Literature cited by the submitters: PubMed 9731530; PubMed 9921896.

NM_001358530.2(MOCS1):c.1451_1452del (p.His484fs)

Gene: MOCS1 (molybdenum cofactor synthesis 1; minus strand). Cytogenetic location: 6p21.2.
Variant type: Deletion.
Coding change: c.1451_1452del on transcript NM_001358530.2 (MANE Select); coding-DNA positions 1451 to 1452, 2 bases deleted (AT; older notation c.1451_1452delAT).
Protein change: p.His484fs; shifts the reading frame from histidine 484.
Molecular consequence: frameshift variant. On other transcripts: 3 prime UTR variant (4), non-coding transcript variant (1).
Genome position (GRCh38, 1-based): chr6:39,906,816-39,906,817, AT deleted on the plus strand (AT on the coding strand, the reverse complement: MOCS1 is on the minus strand). VCF-style (leftmost placement, unchanged base first): chr6-39906815-CAT-C. GRCh37 (hg19) VCF-style: chr6-39874591-CAT-C.
Other names: c.*308_*309del (NM_001075098.4, NM_001358533.2, NM_001358534.2 and 1 more transcripts); c.1403_1404del, p.His468fs (NM_001358529.2); c.1190_1191del, p.His397fs (NM_001358531.2); short protein forms H484fs, H468fs, H397fs.
Identifiers: ClinVar variation 2739380 (VCV002739380.3), dbSNP rs1309176953, ClinGen allele CA566886529.